The following is an entry in ClinVar:

NM_001378454.1(ALMS1):c.11441A>G (p.Asn3814Ser)

Gene: ALMS1 (ALMS1 centrosome and basal body associated protein; plus strand). Cytogenetic location: 2p13.1.
Variant type: single nucleotide variant.
Coding change: c.11441A>G on transcript NM_001378454.1 (MANE Select); coding-DNA position 11441, A replaced by G.
Protein change: p.Asn3814Ser; replaces asparagine 3814 with serine.
Molecular consequence: missense variant.
Genome position (GRCh38, 1-based): chr2:73,573,318, A>G. VCF-style: chr2-73573318-A-G. GRCh37 (hg19) VCF-style: chr2-73800445-A-G.
Other names: c.11444A>G, p.Asn3815Ser (NM_015120.4); short protein forms N3815S, N3814S.
Identifiers: ClinVar variation 1415740 (VCV001415740.5), dbSNP rs763907736, ClinGen allele CA1715195.
Genomic context (GRCh38, chr2:73,573,318, plus strand): 5'-TTGGCCATGAAAGAGTATGCTTGTCACCCAGACGAATTAAATTATATAGCAGCATCACCA[A>G]CCAACAGAGGAGATACCTTGAGAAGCGGAGCAAACACAGCAAGAAAGTGCTGAATACAGG-3'
Protein context (NP_001365383.1, residues 3804-3824): RRIKLYSSIT[Asn3814Ser]QQRRYLEKRS

ClinVar aggregate classification (germline): Uncertain significance. Review status: criteria provided, multiple submitters, no conflicts (2 of 4 stars). 2 submissions from 2 submitters: Uncertain significance (2). Last evaluated 2023-05-03.

Conditions:
Alstrom syndrome (ALMS). Identifiers: Orphanet 64, MedGen C0268425, MONDO:0008763, OMIM 203800.
Cardiovascular phenotype. Identifiers: MedGen CN230736.

Allele frequency attached by ClinVar (database versions not stated): ExAC 0.00002.
gnomAD v4.1: 14 of 1,614,028 alleles (0.00087%); highest among the groups gnomAD compares: South Asian, 0.0022%; no homozygotes.

Submissions (2):

Ambry Genetics
Classification: Uncertain significance for Cardiovascular phenotype. Last evaluated: 2023-05-03. Review status: criteria provided, single submitter. Criteria: Ambry Variant Classification Scheme 2023. Collection method: clinical testing. Allele origin: germline.
Comment: The p.N3815S variant (also known as c.11444A>G), located in coding exon 16 of the ALMS1 gene, results from an A to G substitution at nucleotide position 11444. The asparagine at codon 3815 is replaced by serine, an amino acid with highly similar properties. This amino acid position is poorly conserved in available vertebrate species. In addition, this alteration is predicted to be tolerated by in silico analysis. Since supporting evidence is limited at this time, the clinical significance of this alteration remains unclear.

Labcorp Genetics (formerly Invitae), Labcorp
Classification: Uncertain significance for Alstrom syndrome. Last evaluated: 2022-07-17. Review status: criteria provided, single submitter. Criteria: Invitae Variant Classification Sherloc (09022015). Collection method: clinical testing. Allele origin: germline.
Comment: This sequence change replaces asparagine, which is neutral and polar, with serine, which is neutral and polar, at codon 3815 of the ALMS1 protein (p.Asn3815Ser). This variant is present in population databases (rs763907736, gnomAD 0.003%). This variant has not been reported in the literature in individuals affected with ALMS1-related conditions. ClinVar contains an entry for this variant (Variation ID: 1415740). Experimental studies and prediction algorithms are not available or were not evaluated, and the functional significance of this variant is currently unknown. In summary, the available evidence is currently insufficient to determine the role of this variant in disease. Therefore, it has been classified as a Variant of Uncertain Significance.